The following is an entry in ClinVar:

NM_022489.4(INF2):c.985+5G>C

Gene: INF2 (inverted formin 2; plus strand). Cytogenetic location: 14q32.33.
Variant type: single nucleotide variant.
Coding change: c.985+5G>C on transcript NM_022489.4 (MANE Select); 5 bases into the intron after coding-DNA position 985, G replaced by C.
Molecular consequence: intron variant.
Genome position (GRCh38, 1-based): chr14:104,707,056, G>C. VCF-style: chr14-104707056-G-C. GRCh37 (hg19) VCF-style: chr14-105173393-G-C.
Other names: c.985+5G>C (NM_001031714.4).
Identifiers: ClinVar variation 2116538 (VCV002116538.4), dbSNP rs2541915775, ClinGen allele CA2580088550.

ClinVar aggregate classification (germline): Uncertain significance (1 of 4 stars; one submission).

Conditions:
Focal segmental glomerulosclerosis 5 (FSGS5). Identifiers: Orphanet 656, MedGen C2750475, MONDO:0013191, OMIM 613237.
Charcot-Marie-Tooth disease dominant intermediate E. Also called: CHARCOT-MARIE-TOOTH NEUROPATHY WITH FOCAL SEGMENTAL GLOMERULONEPHRITIS. Identifiers: Orphanet 93114, MedGen C4302667, MONDO:0013758, OMIM 614455.

Allele frequency attached by ClinVar (database versions not stated): gnomAD exomes below 0.00001.
gnomAD v4.1: 1 of 1,574,926 alleles (0.000063%); highest among the groups gnomAD compares: Non-Finnish European, 0.000086%; no homozygotes.

Submission:

Labcorp Genetics (formerly Invitae), Labcorp
Classification: Uncertain significance for Charcot-Marie-Tooth disease dominant intermediate E; Focal segmental glomerulosclerosis 5. Last evaluated: 2022-03-26. Review status: criteria provided, single submitter. Criteria: Invitae Variant Classification Sherloc (09022015). Collection method: clinical testing. Allele origin: germline.
Comment: Variants that disrupt the consensus splice site are a relatively common cause of aberrant splicing (PMID: 17576681, 9536098). Algorithms developed to predict the effect of sequence changes on RNA splicing suggest that this variant may create or strengthen a splice site. In summary, the available evidence is currently insufficient to determine the role of this variant in disease. Therefore, it has been classified as a Variant of Uncertain Significance. This variant has not been reported in the literature in individuals affected with INF2-related conditions. This variant is not present in population databases (gnomAD no frequency). This sequence change falls in intron 7 of the INF2 gene. It does not directly change the encoded amino acid sequence of the INF2 protein. It affects a nucleotide within the consensus splice site.

Literature cited by the submitters: PubMed 17576681; PubMed 9536098.